The following is an entry in ClinVar:

NM_176787.5(PIGN):c.1533T>A (p.Tyr511Ter)

Gene: PIGN (phosphatidylinositol glycan anchor biosynthesis class N; minus strand). Cytogenetic location: 18q21.33.
Variant type: single nucleotide variant.
Coding change: c.1533T>A on transcript NM_176787.5 (MANE Select); coding-DNA position 1533, T replaced by A.
Protein change: p.Tyr511Ter; replaces tyrosine 511 with a stop codon.
Molecular consequence: nonsense.
Genome position (GRCh38, 1-based): chr18:62,109,875, A>T on the plus strand (T>A on the coding strand, the complement: PIGN is on the minus strand). VCF-style: chr18-62109875-A-T. GRCh37 (hg19) VCF-style: chr18-59777108-A-T.
Other names: c.1533T>A, p.Tyr511Ter (NM_012327.6); short protein forms Y511*.
Identifiers: ClinVar variation 2831282 (VCV002831282.3), dbSNP rs2034805244, ClinGen allele CA402605431.

ClinVar aggregate classification (germline): Pathogenic (1 of 4 stars; one submission).

Conditions:
Multiple congenital anomalies-hypotonia-seizures syndrome 1 (MCAHS1). Also called: PIGN-CDG; Congenital disorder of glycosylation due to PIGN deficiency; GLYCOSYLPHOSPHATIDYLINOSITOL BIOSYNTHESIS DEFECT 3. Identifiers: Orphanet 280633, MedGen C3279775, MONDO:0013563, OMIM 614080.

Submission:

Labcorp Genetics (formerly Invitae), Labcorp
Classification: Pathogenic for Multiple congenital anomalies-hypotonia-seizures syndrome 1. Last evaluated: 2023-01-23. Review status: criteria provided, single submitter. Criteria: Invitae Variant Classification Sherloc (09022015). Collection method: clinical testing. Allele origin: germline.
Comment: Algorithms developed to predict the effect of sequence changes on RNA splicing suggest that this variant may disrupt the consensus splice site. For these reasons, this variant has been classified as Pathogenic. This variant has not been reported in the literature in individuals affected with PIGN-related conditions. This variant is not present in population databases (gnomAD no frequency). This sequence change creates a premature translational stop signal (p.Tyr511*) in the PIGN gene. It is expected to result in an absent or disrupted protein product. Loss-of-function variants in PIGN are known to be pathogenic (PMID: 24253414, 27038415).

Literature cited by the submitters: PubMed 24253414; PubMed 27038415.